The following is an entry in ClinVar:

NM_021614.4(KCNN2):c.1771G>C (p.Gly591Arg)

Genes: KCNN2 (potassium calcium-activated channel subfamily N member 2; plus strand), LOC101927078 (uncharacterized LOC101927078; minus strand). Cytogenetic location: 5q22.3.
Variant type: single nucleotide variant.
Coding change: c.1771G>C on transcript NM_021614.4 (MANE Select); coding-DNA position 1771, G replaced by C.
Protein change: p.Gly591Arg; replaces glycine 591 with arginine.
Molecular consequence: missense variant. On other transcripts: non-coding transcript variant (2).
Genome position (GRCh38, 1-based): chr5:114,463,182, G>C. VCF-style: chr5-114463182-G-C. GRCh37 (hg19) VCF-style: chr5-113798879-G-C.
Other names: c.1969G>C, p.Gly657Arg (NM_001372233.1); c.91G>C, p.Gly31Arg (NM_170775.3); short protein forms G31R, G591R, G657R.
Identifiers: ClinVar variation 1699369 (VCV001699369.3), dbSNP rs2150115220, ClinGen allele CA360704560.

ClinVar aggregate classification (germline): Likely pathogenic (1 of 4 stars; one submission).

Conditions:
Neurodevelopmental disorder. Identifiers: MedGen C1535926, MeSH D065886, MONDO:0700092.

Submission:

Victorian Clinical Genetics Services, Murdoch Childrens Research Institute
Classification: Likely pathogenic for Neurodevelopmental disorder. Last evaluated: 2022-02-02. Review status: criteria provided, single submitter. Criteria: ACMG Guidelines, 2015. Collection method: clinical testing. Allele origin: germline. Inheritance: Autosomal dominant inheritance. Affected: yes.
Comment: Based on the classification scheme VCGS_Germline_v1.3.4, this variant is classified as Likely pathogenic. Following criteria are met: 0102 - Loss of function is a known mechanism of disease in this gene and is associated with KCNN2-related neurodevelopmental disorder (PMID: 33242881). (I) 0107 - This gene is associated with autosomal dominant disease. (I) 0200 - Variant is predicted to result in a missense amino acid change from glycine to arginine. (I) 0251 - This variant is heterozygous. (I) 0301 - Variant is absent from gnomAD (both v2 and v3). (SP) 0501 - Missense variant consistently predicted to be damaging by multiple in silico tools or highly conserved with a major amino acid change. (SP) 0600 - Variant is located in the annotated ion channel domain (DECIPHER). (I) 0705 - No comparable missense variants have previous evidence for pathogenicity. (I) 0807 - This variant has no previous evidence of pathogenicity. (I) 0905 - No published segregation evidence has been identified for this variant. (I) 1007 - No published functional evidence has been identified for this variant. (SP) Legend: (SP) - Supporting pathogenic, (I) - Information, (SB) - Supporting benign

Literature cited by the submitters: PubMed 33242881.